The following is an entry in ClinVar:

NM_000020.3(ACVRL1):c.434G>C (p.Arg145Pro)

Gene: ACVRL1 (activin A receptor like type 1; plus strand). Cytogenetic location: 12q13.13.
Variant type: single nucleotide variant.
Coding change: c.434G>C on transcript NM_000020.3 (MANE Select); coding-DNA position 434, G replaced by C.
Protein change: p.Arg145Pro; replaces arginine 145 with proline.
Molecular consequence: missense variant. On other transcripts: intron variant (6).
Genome position (GRCh38, 1-based): chr12:51,913,679, G>C. VCF-style: chr12-51913679-G-C. GRCh37 (hg19) VCF-style: chr12-52307463-G-C.
Other names: c.434G>C, p.Arg145Pro (NM_001077401.2, NM_001406487.1, NM_001406488.1 and 1 more transcripts); c.313+329G>C (NM_001406491.1, NM_001406490.1, NM_001406492.1 and 2 more transcripts); c.62-760G>C (NM_001406495.1); short protein forms R145P.
Identifiers: ClinVar variation 3574942 (VCV003574942.4).
Genomic context (GRCh38, chr12:51,913,679, plus strand): 5'-CCGTGCTGGCCTTGCTGGCCCTGGTGGCCCTGGGTGTCCTGGGCCTGTGGCATGTCCGAC[G>C]GAGGCAGGAGAAGCAGCGTGGCCTGCACAGCGAGCTGGGAGAGTCCAGTCTCATCCTGAA-3'
Protein context (NP_000011.2, residues 135-155): LGVLGLWHVR[Arg145Pro]RQEKQRGLHS

ClinVar aggregate classification (germline): Uncertain significance. Review status: criteria provided, multiple submitters, no conflicts (2 of 4 stars). 4 submissions from 4 submitters: Uncertain significance (4). Last evaluated 2026-02-03.

Conditions:
Telangiectasia, hereditary hemorrhagic, type 2 (HHT2). Also called: ACVRL1-Related Hereditary Hemorrhagic Telangiectasia; Telangiectasia, hereditary hemorrhagic, type II. Identifiers: Orphanet 774, MedGen C1838163, MONDO:0010880, OMIM 600376. Disease mechanism: loss of function.

gnomAD v4.1: 42 of 1,610,614 alleles (0.0026%); highest among the groups gnomAD compares: Non-Finnish European, 0.003%; no homozygotes.

Submissions (4):

Women's Health and Genetics/Laboratory Corporation of America, LabCorp
Classification: Uncertain significance. Last evaluated: 2026-02-03. Review status: criteria provided, single submitter. Criteria: LabCorp Variant Classification Summary - May 2015. Collection method: clinical testing. Allele origin: germline.
Comment: Variant summary: ACVRL1 c.434G>C (p.Arg145Pro) results in a non-conservative amino acid change in the encoded protein sequence. Algorithms developed to predict the effect of missense changes on protein structure and function are either unavailable or do not agree on the potential impact of this missense change. The variant allele was found at a frequency of 2.6e-05 in 1603622 control chromosomes, predominantly at a frequency of 3e-05 within the Non-Finnish European subpopulation in the gnomAD database (v4.1 dataset). Although this frequency is slightly lower than the maximum estimated for a pathogenic variant in ACVRL1 causing Hereditary Hemorrhagic Telangiectasia (3.3e-05), the occurrence in several carriers suggests that this variant is likely not associated with a high penetrance, severe phenotype in heterozygous state. To our knowledge, no occurrence of c.434G>C in individuals affected with ACVRL1-related conditions and no experimental evidence demonstrating its impact on protein function have been reported. ClinVar contains an entry for this variant (Variation ID: 3574942). Based on the evidence outlined above, the variant was classified as VUS-possibly benign.

Clinical Genomics Laboratory, Washington University in St. Louis
Classification: Uncertain significance for Telangiectasia, hereditary hemorrhagic, type 2. Last evaluated: 2026-01-24. Review status: criteria provided, single submitter. Criteria: ACMG Guidelines, 2015. Collection method: clinical testing. Allele origin: germline.
Comment: An ACVRL1 c.434G>C (p.Arg145Pro) variant was identified at a near heterozygous allelic fraction of 49.3%, a frequency which may be consistent with germline origin. This variant, to our knowledge, has not been reported in the medical literature but has been reported in the ClinVar database as a germline variant of uncertain significance by three submitters (ClinVar Variation ID: 3574942). It is observed in 42/1,610,614 alleles in the general population (gnomAD v4.1.0). Computational predictors are uncertain as to the impact of this variant on ACVRL1 function. Due to limited information, and based on ACMG/AMP guidelines for variant interpretation (Richards S et al., PMID: 25741868) and gene specific practices from the ClinGen specification registry, the clinical significance of this variant is uncertain at this time.

GeneDx
Classification: Uncertain significance. Last evaluated: 2024-12-24. Review status: criteria provided, single submitter. Criteria: GeneDx Variant Classification Process June 2021. Collection method: clinical testing. Allele origin: germline. Affected: yes.
Comment: Not observed at significant frequency in large population cohorts (gnomAD); In silico analysis supports that this missense variant has a deleterious effect on protein structure/function; Has not been previously published as pathogenic or benign to our knowledge

Fulgent Genetics
Classification: Uncertain significance for Telangiectasia, hereditary hemorrhagic, type 2. Last evaluated: 2024-01-09. Review status: criteria provided, single submitter. Criteria: ACMG Guidelines, 2015. Collection method: clinical testing. Allele origin: germline.